The following is an entry in ClinVar:

NM_000554.6(CRX):c.*769G>A

Gene: CRX (cone-rod homeobox; plus strand). Cytogenetic location: 19q13.33.
Variant type: single nucleotide variant.
Coding change: c.*769G>A on transcript NM_000554.6 (MANE Select); 769 bases downstream of the stop codon, G replaced by A.
Molecular consequence: 3 prime UTR variant.
Genome position (GRCh38, 1-based): chr19:47,840,736, G>A. VCF-style: chr19-47840736-G-A. GRCh37 (hg19) VCF-style: chr19-48343993-G-A.
Identifiers: ClinVar variation 329724 (VCV000329724.6), dbSNP rs55835533, ClinGen allele CA10648902.
Genomic context (GRCh38, chr19:47,840,736, plus strand): 5'-TACAGGCGTGAGCCACCGCGCCCGGCCCTTTTTTTTTTTTTTTTTTTTAATTGAGACGGA[G>A]TCTCACTCTTTTGCTTAGGCTGGAGTGCAGTGGTGTGATCTCAGCTCACTGACTGCAACC-3'

ClinVar aggregate classification (germline): Benign. Review status: criteria provided, multiple submitters, no conflicts (2 of 4 stars). 4 submissions from 2 submitters: Benign (4). Last evaluated 2018-01-13.

Conditions:
Retinitis pigmentosa (RP). Identifiers: Orphanet 791, MedGen C0035334, MeSH D012174, MONDO:0019200, OMIM 268000. Inheritance: Autosomal dominant, autosomal recessive and X linked inheritance.
Leber congenital amaurosis 7 (LCA7). Identifiers: Orphanet 65, MedGen C3151192, MONDO:0013449, OMIM 613829.
Cone-rod dystrophy 2 (CORD2). Also called: CONE-ROD RETINAL DYSTROPHY; Cone-rod retinal dystrophy 2. Identifiers: Orphanet 1872, MedGen C3489532, MONDO:0007362, OMIM 120970.

Allele frequency attached by ClinVar (database versions not stated): 1000 Genomes Project 0.12879; TOPMed 0.17485; gnomAD 0.17608 and 0.17955; gnomAD exomes 0.05263; 1000 Genomes Project 30x 0.12804.

Submissions (4):

Illumina Laboratory Services, Illumina
Classification: Benign for Retinitis pigmentosa. Last evaluated: 2018-01-13. Review status: criteria provided, single submitter. Criteria: ICSL Variant Classification Criteria 13 December 2019. Collection method: clinical testing. Allele origin: germline.
Comment: This variant was observed in the ICSL laboratory as part of a predisposition screen in an ostensibly healthy population. It had not been previously curated by ICSL or reported in the Human Gene Mutation Database (HGMD: prior to June 1st, 2018), and was therefore a candidate for classification through an automated scoring system. Utilizing variant allele frequency, disease prevalence and penetrance estimates, and inheritance mode, an automated score was calculated to assess if this variant is too frequent to cause the disease. Based on the score and internal cut-off values, a variant classified as benign is not then subjected to further curation. The score for this variant resulted in a classification of benign for this disease.

Illumina Laboratory Services, Illumina
Classification: Benign for Leber congenital amaurosis 7. Last evaluated: 2018-01-13. Review status: criteria provided, single submitter. Criteria: ICSL Variant Classification Criteria 13 December 2019. Collection method: clinical testing. Allele origin: germline.
Comment: the same text as in the submission from Illumina Laboratory Services, Illumina above.

Illumina Laboratory Services, Illumina
Classification: Benign for Cone-rod dystrophy 2. Last evaluated: 2018-01-13. Review status: criteria provided, single submitter. Criteria: ICSL Variant Classification Criteria 13 December 2019. Collection method: clinical testing. Allele origin: germline.
Comment: the same text as in the submission from Illumina Laboratory Services, Illumina above.

Breakthrough Genomics
Classification: Benign. Review status: criteria provided, single submitter. Criteria: ACMG Guidelines, 2015. Collection method: not provided. Allele origin: germline. Inheritance: Autosomal dominant inheritance. Affected: yes.